The following is an entry in ClinVar:

NM_000400.4(ERCC2):c.828_831del (p.Asp277fs)

Gene: ERCC2 (ERCC excision repair 2, TFIIH core complex helicase subunit; minus strand). Cytogenetic location: 19q13.32.
Variant type: Microsatellite.
Coding change: c.828_831del on transcript NM_000400.4 (MANE Select); coding-DNA positions 828 to 831, 4 bases deleted (AGAC; older notation c.828_831delAGAC).
Protein change: p.Asp277fs; shifts the reading frame from aspartic acid 277.
Molecular consequence: frameshift variant.
Genome position (GRCh38, 1-based): chr19:45,364,104-45,364,107, GTCT deleted on the plus strand (AGAC on the coding strand, the reverse complement: ERCC2 is on the minus strand); deleting any 4 consecutive bases within chr19:45,364,104-45,364,111 gives the same sequence; the c. name uses the placement nearest the transcript's 3' end. VCF-style (leftmost placement, unchanged base first): chr19-45364103-CGTCT-C. GRCh37 (hg19) VCF-style: chr19-45867361-CGTCT-C.
Other names: c.756_759del, p.Asp253fs (NM_001130867.2); short protein forms D253fs, D277fs.
Identifiers: ClinVar variation 2024178 (VCV002024178.5), dbSNP rs1312336997, ClinGen allele CA633479976.

ClinVar aggregate classification (germline): Pathogenic. Review status: criteria provided, multiple submitters, no conflicts (2 of 4 stars). 2 submissions from 2 submitters: Pathogenic (2). Last evaluated 2026-04-28.

Conditions:
ERCC2-related disorder. Also called: ERCC2-related conditions; ERCC2-related condition; ERCC2-related disorders. Identifiers: MedGen CN239291.

Submissions (2):

Myriad Genetics, Inc.
Classification: Pathogenic for ERCC2-related disorder. Last evaluated: 2026-04-28. Review status: criteria provided, single submitter. Criteria: Myriad Autosomal Dominant, Autosomal Recessive and X-Linked Classification Criteria (2023). Collection method: clinical testing. Allele origin: unknown.
Comment: NM_000400.3(ERCC2):c.828_831delAGAC(D277Sfs*56) is expected to be pathogenic in the context of ERCC2-related disorders. This variant is predicted to lead to an abnormal or absent protein product due to the creation of a premature termination codon in ERCC2, a gene where loss-of-function variants are known to be pathogenic. Please note: this variant was assessed in the context of healthy population screening.

Labcorp Genetics (formerly Invitae), Labcorp
Classification: Pathogenic. Last evaluated: 2022-08-14. Review status: criteria provided, single submitter. Criteria: Invitae Variant Classification Sherloc (09022015). Collection method: clinical testing. Allele origin: germline.
Comment: For these reasons, this variant has been classified as Pathogenic. This variant has not been reported in the literature in individuals affected with ERCC2-related conditions. This variant is present in population databases (no rsID available, gnomAD 0.001%). This sequence change creates a premature translational stop signal (p.Asp277Serfs*56) in the ERCC2 gene. It is expected to result in an absent or disrupted protein product. Loss-of-function variants in ERCC2 are known to be pathogenic (PMID: 9238033, 11335038, 19085937, 19934020).

Literature cited by the submitters: PubMed 9238033 (cited by Labcorp Genetics (formerly Invitae), Labcorp); PubMed 11335038 (cited by Labcorp Genetics (formerly Invitae), Labcorp); PubMed 19085937 (cited by Labcorp Genetics (formerly Invitae), Labcorp); PubMed 19934020 (cited by Labcorp Genetics (formerly Invitae), Labcorp).